The following is an entry in ClinVar:

NM_002894.3(RBBP8):c.683A>G (p.Tyr228Cys)

Gene: RBBP8 (RB binding protein 8, endonuclease; plus strand). Cytogenetic location: 18q11.2.
Variant type: single nucleotide variant.
Coding change: c.683A>G on transcript NM_002894.3 (MANE Select); coding-DNA position 683, A replaced by G.
Protein change: p.Tyr228Cys; replaces tyrosine 228 with cysteine.
Molecular consequence: missense variant.
Genome position (GRCh38, 1-based): chr18:22,984,964, A>G. VCF-style: chr18-22984964-A-G. GRCh37 (hg19) VCF-style: chr18-20564927-A-G.
Other names: c.683A>G, p.Tyr228Cys (NM_203291.2, NM_203292.2); short protein forms Y228C.
Identifiers: ClinVar variation 1501486 (VCV001501486.8), dbSNP rs2144667799, ClinGen allele CA401774353.
Genomic context (GRCh38, chr18:22,984,964, plus strand): 5'-AGTCTTCAACTCATCCACAACATAATCCTAATGAAAATGAAATTCTAGTAGCTGACACTT[A>G]TGACCAAAGTCAATCTCCAATGGCCAGTAAGCAAGATACTGAGATTACTTTACAAGTTTA-3'
Protein context (NP_002885.1, residues 218-238): NENEILVADT[Tyr228Cys]DQSQSPMAKA

ClinVar aggregate classification (germline): Uncertain significance (1 of 4 stars; one submission).

Submission:

Labcorp Genetics (formerly Invitae), Labcorp
Classification: Uncertain significance. Last evaluated: 2022-07-19. Review status: criteria provided, single submitter. Criteria: Invitae Variant Classification Sherloc (09022015). Collection method: clinical testing. Allele origin: germline.
Comment: This sequence change replaces tyrosine, which is neutral and polar, with cysteine, which is neutral and slightly polar, at codon 228 of the RBBP8 protein (p.Tyr228Cys). This variant is not present in population databases (gnomAD no frequency). This variant has not been reported in the literature in individuals affected with RBBP8-related conditions. ClinVar contains an entry for this variant (Variation ID: 1501486). Algorithms developed to predict the effect of missense changes on protein structure and function output the following: SIFT: "Tolerated"; PolyPhen-2: "Benign"; Align-GVGD: "Class C0". The cysteine amino acid residue is found in multiple mammalian species, which suggests that this missense change does not adversely affect protein function. In summary, the available evidence is currently insufficient to determine the role of this variant in disease. Therefore, it has been classified as a Variant of Uncertain Significance.